The following is an entry in ClinVar:

ClinVar aggregate classification (germline): Pathogenic/Likely pathogenic. Review status: criteria provided, multiple submitters, no conflicts (2 of 4 stars). 3 submissions from 3 submitters: Pathogenic (1); Likely pathogenic (2). Last evaluated 2024-11-13.

Conditions:
Combined malonic and methylmalonic acidemia. Identifiers: Orphanet 289504, MedGen C3280314, MONDO:0013661, OMIM 614265.

Allele frequency attached by ClinVar (database versions not stated): gnomAD exomes 0.00001; ExAC 0.00002.

Submissions (3):

Natera, Inc.
Classification: Likely pathogenic for Combined malonic and methylmalonic aciduria. Last evaluated: 2024-11-13. Review status: criteria provided, single submitter. Criteria: Natera Variant Classification Schema (03/2026). Collection method: clinical testing. Allele origin: germline.
Comment: The c.866delT variant in ACSF3 is a frameshift variant predicted to shift the reading frame beginning at codon 289 and leads to a stop codon 12 codons downstream. This variant is expected to result in nonsense mediated decay, truncation, or a dysfunctional protein product. This variant is rare in the general population with a frequency below the threshold expected for the associated phenotype(s). Given the available evidence, this variant is classified as Likely Pathogenic.

Labcorp Genetics (formerly Invitae), Labcorp
Classification: Pathogenic for Combined malonic and methylmalonic acidemia. Last evaluated: 2024-05-15. Review status: criteria provided, single submitter. Criteria: Invitae Variant Classification Sherloc (09022015). Collection method: clinical testing. Allele origin: germline.
Comment: This sequence change creates a premature translational stop signal (p.Val289Alafs*12) in the ACSF3 gene. It is expected to result in an absent or disrupted protein product. Loss-of-function variants in ACSF3 are known to be pathogenic (PMID: 21841779, 26827111). This variant is present in population databases (rs758740850, gnomAD 0.01%). This variant has not been reported in the literature in individuals affected with ACSF3-related conditions. For these reasons, this variant has been classified as Pathogenic.

Baylor Genetics
Classification: Likely pathogenic for Combined malonic and methylmalonic acidemia. Last evaluated: 2024-03-04. Review status: criteria provided, single submitter. Criteria: ACMG Guidelines, 2015. Collection method: clinical testing. Allele origin: unknown.

Literature cited by the submitters: PubMed 21841779 (cited by Labcorp Genetics (formerly Invitae), Labcorp); PubMed 26827111 (cited by Labcorp Genetics (formerly Invitae), Labcorp).

NM_001243279.3(ACSF3):c.866del (p.Val289fs)

Gene: ACSF3 (acyl-CoA synthetase family member 3; plus strand). Cytogenetic location: 16q24.3.
Variant type: Deletion.
Coding change: c.866del on transcript NM_001243279.3 (MANE Select); coding-DNA position 866, one base deleted (T; older notation c.866delT).
Protein change: p.Val289fs; shifts the reading frame from valine 289.
Molecular consequence: frameshift variant. On other transcripts: non-coding transcript variant (3).
Genome position (GRCh38, 1-based): chr16:89,112,135, T deleted. VCF-style (leftmost placement, unchanged base first): chr16-89112134-GT-G. GRCh37 (hg19) VCF-style: chr16-89178542-GT-G.
Other names: c.866del, p.Val289fs (NM_001127214.4, NM_174917.5); c.71del, p.Val24fs (NM_001284316.2); short protein forms V24fs, V289fs.
Identifiers: ClinVar variation 2680375 (VCV002680375.6), dbSNP rs758740850, ClinGen allele CA8237871.
Genomic context (GRCh38, chr16:89,112,134, plus strand): 5'-GCTTCCTTTCCTTCGTAGGTTTGGGAAAAGTTCTTAAGTTCTGAAACGCCGCGGATCAAT[GT>G]CTTTATGGCAGTGCCTACAATATACACCAAGCTGATGGAGTACTACGACAGGCATTTTAC-3'